The following is an entry in ClinVar:

NM_015425.6(POLR1A):c.812A>G (p.Asn271Ser)

Gene: POLR1A (RNA polymerase I subunit A; minus strand). Cytogenetic location: 2p11.2.
Variant type: single nucleotide variant.
Coding change: c.812A>G on transcript NM_015425.6 (MANE Select); coding-DNA position 812, A replaced by G.
Protein change: p.Asn271Ser; replaces asparagine 271 with serine.
Molecular consequence: missense variant.
Genome position (GRCh38, 1-based): chr2:86,083,087, T>C on the plus strand (A>G on the coding strand, the complement: POLR1A is on the minus strand). VCF-style: chr2-86083087-T-C. GRCh37 (hg19) VCF-style: chr2-86310210-T-C.
Other names: c.812A>G (NM_015425.3); short protein forms N271S.
Identifiers: ClinVar variation 2178753 (VCV002178753.5), dbSNP rs372872537, ClinGen allele CA1746528.

ClinVar aggregate classification (germline): Uncertain significance. Review status: criteria provided, multiple submitters, no conflicts (2 of 4 stars). 2 submissions from 2 submitters: Uncertain significance (2). Last evaluated 2025-07-30.

Conditions:
Inborn genetic diseases. Identifiers: MedGen C0950123, MeSH D030342.

Allele frequency attached by ClinVar (database versions not stated): gnomAD 0.00001; ExAC 0.00002; gnomAD exomes 0.00003; TOPMed 0.00003; ESP Exome Variant Server 0.00008.
gnomAD v4.1: 48 of 1,612,646 alleles (0.003%); highest among the groups gnomAD compares: Middle Eastern, 0.033%; no homozygotes.

Submissions (2):

Labcorp Genetics (formerly Invitae), Labcorp
Classification: Uncertain significance. Last evaluated: 2025-07-30. Review status: criteria provided, single submitter. Criteria: Invitae Variant Classification Sherloc (09022015). Collection method: clinical testing. Allele origin: germline.
Comment: This sequence change replaces asparagine, which is neutral and polar, with serine, which is neutral and polar, at codon 271 of the POLR1A protein (p.Asn271Ser). This variant is present in population databases (rs372872537, gnomAD 0.006%). This variant has not been reported in the literature in individuals affected with POLR1A-related conditions. ClinVar contains an entry for this variant (Variation ID: 2178753). Invitae Evidence Modeling of protein sequence and biophysical properties (such as structural, functional, and spatial information, amino acid conservation, physicochemical variation, residue mobility, and thermodynamic stability) indicates that this missense variant is expected to disrupt POLR1A protein function with a positive predictive value of 80%. Algorithms developed to predict the effect of sequence changes on RNA splicing suggest that this variant may disrupt the consensus splice site. In summary, the available evidence is currently insufficient to determine the role of this variant in disease. Therefore, it has been classified as a Variant of Uncertain Significance.

Ambry Genetics
Classification: Uncertain significance for Inborn genetic diseases. Last evaluated: 2022-05-11. Review status: criteria provided, single submitter. Criteria: Ambry Variant Classification Scheme 2023. Collection method: clinical testing. Allele origin: germline.